The following is an entry in ClinVar:

ClinVar aggregate classification (germline): Likely pathogenic (1 of 4 stars; one submission).

Conditions:
Congenital factor VII deficiency. Identifiers: Orphanet 327, MedGen C0272320, MONDO:0009211, OMIM 227500.

Allele frequency attached by ClinVar (database versions not stated): gnomAD exomes below 0.00001.
gnomAD v4.1: 3 of 1,556,566 alleles (0.00019%); highest among the groups gnomAD compares: Non-Finnish European, 0.00026%; no homozygotes.

Submission:

ISTH-SSC Genomics in Thrombosis and Hemostasis, KU Leuven, Center for Molecular and Vascular Biology
Classification: Likely pathogenic for Congenital factor VII deficiency. Review status: criteria provided, single submitter. Criteria: ACMG Guidelines, 2015. Collection method: clinical testing. Allele origin: germline. Affected: yes. Observed: 1 heterozygote.
Comment: Submitted to GoldVariant by Kathleen Freson, Center for Molecular and Vascular Biology, Leuven, Belgium

NM_019616.4(F7):c.175C>T (p.Gln59Ter)

Gene: F7 (coagulation factor VII; plus strand). Cytogenetic location: 13q34.
Variant type: single nucleotide variant.
Coding change: c.175C>T on transcript NM_019616.4 (MANE Select); coding-DNA position 175, C replaced by T.
Protein change: p.Gln59Ter; replaces glutamine 59 with a stop codon.
Molecular consequence: nonsense. On other transcripts: non-coding transcript variant (1), intron variant (1).
Genome position (GRCh38, 1-based): chr13:113,110,800, C>T. VCF-style: chr13-113110800-C-T. GRCh37 (hg19) VCF-style: chr13-113765114-C-T.
Other names: c.241C>T, p.Gln81Ter (NM_000131.5); c.65-3047C>T (NM_001267554.2); short protein forms Q59*, Q81*.
Identifiers: ClinVar variation 1703839 (VCV001703839.1), dbSNP rs1414353514, ClinGen allele CA388781110.